The following is an entry in ClinVar:

ClinVar aggregate classification (germline): Benign. Review status: criteria provided, multiple submitters, no conflicts (2 of 4 stars). 3 submissions from 3 submitters: Benign (3). Last evaluated 2026-02-04.

Conditions:
Familial infantile myasthenia (CMS6). Also called: MYASTHENIC SYNDROME, PRESYNAPTIC, CONGENITAL, ASSOCIATED WITH EPISODIC APNEA; MYASTHENIC SYNDROME, CONGENITAL, 6, PRESYNAPTIC; Congenital myasthenic syndrome type 6. Identifiers: Orphanet 590, MedGen C0393929, MONDO:0009689, OMIM 254210.

Allele frequency attached by ClinVar (database versions not stated): gnomAD exomes 0.00194 and 0.00509; gnomAD 0.01903 and 0.02037; ESP Exome Variant Server 0.02200; ExAC 0.00639; TOPMed 0.02192; 1000 Genomes Project 0.02296; 1000 Genomes Project 30x 0.02436.
gnomAD v4.1: 5,891 of 1,612,402 alleles (0.37%); highest among the groups gnomAD compares: African/African-American, 6.6%; 185 homozygotes.

Submissions (3):

Labcorp Genetics (formerly Invitae), Labcorp
Classification: Benign for Familial infantile myasthenia. Last evaluated: 2026-02-04. Review status: criteria provided, single submitter. Criteria: Invitae Variant Classification Sherloc (09022015). Collection method: clinical testing. Allele origin: germline.

GeneDx
Classification: Benign. Last evaluated: 2016-12-31. Review status: criteria provided, single submitter. Criteria: GeneDx Variant Classification (06012015). Collection method: clinical testing. Allele origin: germline. Affected: yes.
Comment: This variant is considered likely benign or benign based on one or more of the following criteria: it is a conservative change, it occurs at a poorly conserved position in the protein, it is predicted to be benign by multiple in silico algorithms, and/or has population frequency not consistent with disease.

PreventionGenetics, part of Exact Sciences
Classification: Benign. Review status: criteria provided, single submitter. Criteria: ACMG Guidelines, 2015. Collection method: clinical testing. Allele origin: germline.

NM_020549.5(CHAT):c.1281+16G>A

Gene: CHAT (choline O-acetyltransferase; plus strand). Cytogenetic location: 10q11.23.
Variant type: single nucleotide variant.
Coding change: c.1281+16G>A on transcript NM_020549.5 (MANE Select); 16 bases into the intron after coding-DNA position 1281, G replaced by A.
Molecular consequence: intron variant.
Genome position (GRCh38, 1-based): chr10:49,646,690, G>A. VCF-style: chr10-49646690-G-A. GRCh37 (hg19) VCF-style: chr10-50854736-G-A.
Other names: c.927+16G>A (NM_001142929.2, NM_020984.4, NM_020985.4 and 2 more transcripts); c.1035+16G>A (NM_001142933.2).
Identifiers: ClinVar variation 261328 (VCV000261328.9), dbSNP rs61132699, ClinGen allele CA5497428.